The following is an entry in ClinVar:

NM_003738.5(PTCH2):c.933G>A (p.Leu311=)

Gene: PTCH2 (patched 2; minus strand). Cytogenetic location: 1p34.1.
Variant type: single nucleotide variant.
Coding change: c.933G>A on transcript NM_003738.5 (MANE Select); coding-DNA position 933, G replaced by A.
Protein change: p.Leu311=; no amino-acid change (leucine 311 retained).
Molecular consequence: synonymous variant.
Genome position (GRCh38, 1-based): chr1:44,829,911, C>T on the plus strand (G>A on the coding strand, the complement: PTCH2 is on the minus strand). VCF-style: chr1-44829911-C-T. GRCh37 (hg19) VCF-style: chr1-45295583-C-T.
Other names: c.933G>A, p.Leu311= (NM_001166292.2).
Identifiers: ClinVar variation 3345676 (VCV003345676.1).

ClinVar aggregate classification (germline): Likely benign (0 of 4 stars; one submission).

Conditions:
PTCH2-related disorder. Also called: PTCH2-related disease; PTCH2-related condition.

gnomAD v4.1: 1 of 1,614,006 alleles (0.000062%); highest among the groups gnomAD compares: Non-Finnish European, 0.000085%; no homozygotes.

Submission:

PreventionGenetics, part of Exact Sciences
Classification: Likely benign for PTCH2-related condition. Last evaluated: 2024-06-12. Review status: no assertion criteria provided. Collection method: clinical testing. Allele origin: germline.
Comment: This variant is classified as likely benign based on ACMG/AMP sequence variant interpretation guidelines (Richards et al. 2015 PMID: 25741868, with internal and published modifications).